The following is an entry in ClinVar:

NM_000183.3(HADHB):c.1048C>A (p.Gln350Lys)

Gene: HADHB (hydroxyacyl-CoA dehydrogenase trifunctional multienzyme complex subunit beta; plus strand). Cytogenetic location: 2p23.3.
Variant type: single nucleotide variant.
Coding change: c.1048C>A on transcript NM_000183.3 (MANE Select); coding-DNA position 1048, C replaced by A.
Protein change: p.Gln350Lys; replaces glutamine 350 with lysine.
Molecular consequence: missense variant.
Genome position (GRCh38, 1-based): chr2:26,283,038, C>A. VCF-style: chr2-26283038-C-A. GRCh37 (hg19) VCF-style: chr2-26505906-C-A.
Other names: c.1003C>A, p.Gln335Lys (NM_001281512.2); c.982C>A, p.Gln328Lys (NM_001281513.2); short protein forms Q328K, Q335K, Q350K.
Identifiers: ClinVar variation 2904538 (VCV002904538.2), dbSNP rs2465731280, ClinGen allele CA346095041.

ClinVar aggregate classification (germline): Uncertain significance (1 of 4 stars; one submission).

Conditions:
Mitochondrial trifunctional protein deficiency. Identifiers: Orphanet 746, MedGen C1969443, MONDO:0012172.

gnomAD v4.1: 11 of 1,606,524 alleles (0.00068%); highest among the groups gnomAD compares: Non-Finnish European, 0.00085%; no homozygotes.

Submission:

Labcorp Genetics (formerly Invitae), Labcorp
Classification: Uncertain significance for Mitochondrial trifunctional protein deficiency. Last evaluated: 2023-03-01. Review status: criteria provided, single submitter. Criteria: Invitae Variant Classification Sherloc (09022015). Collection method: clinical testing. Allele origin: germline.
Comment: This sequence change replaces glutamine, which is neutral and polar, with lysine, which is basic and polar, at codon 350 of the HADHB protein (p.Gln350Lys). In summary, the available evidence is currently insufficient to determine the role of this variant in disease. Therefore, it has been classified as a Variant of Uncertain Significance. Algorithms developed to predict the effect of sequence changes on RNA splicing suggest that this variant may disrupt the consensus splice site. Advanced modeling of protein sequence and biophysical properties (such as structural, functional, and spatial information, amino acid conservation, physicochemical variation, residue mobility, and thermodynamic stability) has been performed at Invitae for this missense variant, however the output from this modeling did not meet the statistical confidence thresholds required to predict the impact of this variant on HADHB protein function. This variant has not been reported in the literature in individuals affected with HADHB-related conditions. This variant is not present in population databases (gnomAD no frequency).